The following is an entry in ClinVar:

NM_005993.5(TBCD):c.1826T>G (p.Met609Arg)

Gene: TBCD (tubulin folding cofactor D). Cytogenetic location: 17q25.3.
Variant type: single nucleotide variant.
Coding change: c.1826T>G on transcript NM_005993.5 (MANE Select); coding-DNA position 1826, T replaced by G.
Protein change: p.Met609Arg; replaces methionine 609 with arginine.
Molecular consequence: missense variant.
Genome position (GRCh38, 1-based): chr17:82,905,957, T>G. VCF-style: chr17-82905957-T-G. GRCh37 (hg19) VCF-style: chr17-80863833-T-G.
Other names: c.1826T>G (NM_005993.4); short protein forms M609R.
Identifiers: ClinVar variation 1386335 (VCV001386335.5), dbSNP rs372610438, ClinGen allele CA8862795.

ClinVar aggregate classification (germline): Uncertain significance. Review status: criteria provided, multiple submitters, no conflicts (2 of 4 stars). 3 submissions from 3 submitters: Uncertain significance (3). Last evaluated 2024-06-03.

Conditions:
Inborn genetic diseases. Identifiers: MedGen C0950123, MeSH D030342.

Allele frequency attached by ClinVar (database versions not stated): gnomAD exomes 0.00006 and 0.00007; TOPMed 0.00007; ExAC 0.00008; gnomAD 0.00009; ESP Exome Variant Server 0.00024.
gnomAD v4.1: 111 of 1,612,784 alleles (0.0069%); highest among the groups gnomAD compares: Middle Eastern, 0.016%; no homozygotes.

Submissions (3):

GeneDx
Classification: Uncertain significance. Last evaluated: 2024-06-03. Review status: criteria provided, single submitter. Criteria: GeneDx Variant Classification Process June 2021. Collection method: clinical testing. Allele origin: germline. Affected: yes.
Comment: In silico analysis indicates that this missense variant does not alter protein structure/function; Has not been previously published as pathogenic or benign to our knowledge

Labcorp Genetics (formerly Invitae), Labcorp
Classification: Uncertain significance. Last evaluated: 2021-11-26. Review status: criteria provided, single submitter. Criteria: Invitae Variant Classification Sherloc (09022015). Collection method: clinical testing. Allele origin: germline.
Comment: This sequence change replaces methionine, which is neutral and non-polar, with arginine, which is basic and polar, at codon 609 of the TBCD protein (p.Met609Arg). This variant is present in population databases (rs372610438, gnomAD 0.01%). This variant has not been reported in the literature in individuals affected with TBCD-related conditions. Algorithms developed to predict the effect of missense changes on protein structure and function (SIFT, PolyPhen-2, Align-GVGD) all suggest that this variant is likely to be tolerated. Algorithms developed to predict the effect of sequence changes on RNA splicing suggest that this variant may create or strengthen a splice site. In summary, the available evidence is currently insufficient to determine the role of this variant in disease. Therefore, it has been classified as a Variant of Uncertain Significance.

Ambry Genetics
Classification: Uncertain significance for Inborn genetic diseases. Last evaluated: 2021-07-28. Review status: criteria provided, single submitter. Criteria: Ambry Variant Classification Scheme 2023. Collection method: clinical testing. Allele origin: germline.